The following is an entry in ClinVar:

ClinVar aggregate classification (germline): Uncertain significance. Review status: criteria provided, multiple submitters, no conflicts (2 of 4 stars). 2 submissions from 2 submitters: Uncertain significance (2). Last evaluated 2025-12-21.

Conditions:
MORC2-related disorder. Also called: MORC2-related condition.
Charcot-Marie-Tooth disease axonal type 2Z. Also called: CHARCOT-MARIE-TOOTH DISEASE, AXONAL, AUTOSOMAL DOMINANT, TYPE 2Z; CHARCOT-MARIE-TOOTH NEUROPATHY, TYPE 2Z. Identifiers: Orphanet 466768, MedGen C5569025, MONDO:0014736, OMIM 616688.

Allele frequency attached by ClinVar (database versions not stated): gnomAD exomes below 0.00001; ExAC 0.00001; TOPMed 0.00001; gnomAD 0.00003 and 0.00004.
gnomAD v4.1: 5 of 1,613,896 alleles (0.00031%); highest among the groups gnomAD compares: African/African-American, 0.0067%; no homozygotes.

Submissions (2):

PreventionGenetics, part of Exact Sciences
Classification: Uncertain significance for MORC2-related condition. Last evaluated: 2025-12-21. Review status: criteria provided, single submitter. Criteria: ACMG Guidelines, 2015. Collection method: clinical testing. Allele origin: germline.
Comment: The MORC2 c.1000C>G variant is predicted to result in the amino acid substitution p.Gln334Glu. To our knowledge, this variant has not been reported in the literature. This variant is reported in 0.0080% of alleles in individuals of African descent in gnomAD. At this time, the clinical significance of this variant is uncertain due to the absence of conclusive functional and genetic evidence.

Labcorp Genetics (formerly Invitae), Labcorp
Classification: Uncertain significance for Charcot-Marie-Tooth disease axonal type 2Z. Last evaluated: 2024-09-23. Review status: criteria provided, single submitter. Criteria: Invitae Variant Classification Sherloc (09022015). Collection method: clinical testing. Allele origin: germline.
Comment: This sequence change replaces glutamine, which is neutral and polar, with glutamic acid, which is acidic and polar, at codon 334 of the MORC2 protein (p.Gln334Glu). This variant is present in population databases (rs777252717, gnomAD 0.01%). This variant has not been reported in the literature in individuals affected with MORC2-related conditions. ClinVar contains an entry for this variant (Variation ID: 958441). Invitae Evidence Modeling of protein sequence and biophysical properties (such as structural, functional, and spatial information, amino acid conservation, physicochemical variation, residue mobility, and thermodynamic stability) has been performed for this missense variant. However, the output from this modeling did not meet the statistical confidence thresholds required to predict the impact of this variant on MORC2 protein function. In summary, the available evidence is currently insufficient to determine the role of this variant in disease. Therefore, it has been classified as a Variant of Uncertain Significance.

NM_001303256.3(MORC2):c.1000C>G (p.Gln334Glu)

Gene: MORC2 (MORC family CW-type zinc finger 2; minus strand). Cytogenetic location: 22q12.2.
Variant type: single nucleotide variant.
Coding change: c.1000C>G on transcript NM_001303256.3 (MANE Select); coding-DNA position 1000, C replaced by G.
Protein change: p.Gln334Glu; replaces glutamine 334 with glutamic acid.
Molecular consequence: missense variant.
Genome position (GRCh38, 1-based): chr22:30,939,694, G>C on the plus strand (C>G on the coding strand, the complement: MORC2 is on the minus strand). VCF-style: chr22-30939694-G-C. GRCh37 (hg19) VCF-style: chr22-31335681-G-C.
Other names: c.1000C>G, p.Gln334Glu (NM_001303257.2); c.814C>G, p.Gln272Glu (NM_014941.3); short protein forms Q334E, Q272E.
Identifiers: ClinVar variation 958441 (VCV000958441.9), dbSNP rs777252717, ClinGen allele CA10187060.